The following is an entry in ClinVar:

ClinVar aggregate classification (germline): Uncertain significance (1 of 4 stars; one submission).

Conditions:
Developmental and epileptic encephalopathy, 34 (DEE34). Also called: SLC12A5-Related Epilepsy of Infancy with Migrating Focal Seizures; Early infantile epileptic encephalopathy 34. Identifiers: Orphanet 293181, MedGen C4225257, MONDO:0014718, OMIM 616645.

Submission:

Labcorp Genetics (formerly Invitae), Labcorp
Classification: Uncertain significance for Developmental and epileptic encephalopathy, 34. Last evaluated: 2020-06-13. Review status: criteria provided, single submitter. Criteria: Invitae Variant Classification Sherloc (09022015). Collection method: clinical testing. Allele origin: germline.
Comment: In summary, the available evidence is currently insufficient to determine the role of this variant in disease. Therefore, it has been classified as a Variant of Uncertain Significance. Algorithms developed to predict the effect of missense changes on protein structure and function are either unavailable or do not agree on the potential impact of this missense change (SIFT: "Deleterious"; PolyPhen-2: "Probably Damaging"; Align-GVGD: "Class C0"). This sequence change replaces aspartic acid with histidine at codon 1031 of the SLC12A5 protein (p.Asp1031His). The aspartic acid residue is highly conserved and there is a moderate physicochemical difference between aspartic acid and histidine. This variant is not present in population databases (ExAC no frequency). This variant has not been reported in the literature in individuals with SLC12A5-related conditions.

NM_020708.5(SLC12A5):c.3091G>C (p.Asp1031His)

Gene: SLC12A5 (solute carrier family 12 member 5; plus strand). Cytogenetic location: 20q13.12.
Variant type: single nucleotide variant.
Coding change: c.3091G>C on transcript NM_020708.5 (MANE Select); coding-DNA position 3091, G replaced by C.
Protein change: p.Asp1031His; replaces aspartic acid 1031 with histidine.
Molecular consequence: missense variant.
Genome position (GRCh38, 1-based): chr20:46,056,545, G>C. VCF-style: chr20-46056545-G-C. GRCh37 (hg19) VCF-style: chr20-44685184-G-C.
Other names: c.3160G>C, p.Asp1054His (NM_001134771.2); short protein forms D1031H, D1054H.
Identifiers: ClinVar variation 1052598 (VCV001052598.9), dbSNP rs2145508232, ClinGen allele CA409208220.